The following is an entry in ClinVar:

NM_012282.4(KCNE5):c.202A>G (p.Ile68Val)

Gene: KCNE5 (potassium voltage-gated channel subfamily E regulatory subunit 5; minus strand). Cytogenetic location: Xq23.
Variant type: single nucleotide variant.
Coding change: c.202A>G on transcript NM_012282.4 (MANE Select); coding-DNA position 202, A replaced by G.
Protein change: p.Ile68Val; replaces isoleucine 68 with valine.
Molecular consequence: missense variant.
Genome position (GRCh38, 1-based): chrX:109,624,819, T>C on the plus strand (A>G on the coding strand, the complement: KCNE5 is on the minus strand). VCF-style: chrX-109624819-T-C. GRCh37 (hg19) VCF-style: chrX-108868048-T-C.
Other names: short protein forms I68V.
Identifiers: ClinVar variation 3113149 (VCV003113149.2), dbSNP rs2520685835, ClinGen allele CA414213686.

ClinVar aggregate classification (germline): Uncertain significance (1 of 4 stars; one submission).

Submission:

Ambry Genetics
Classification: Uncertain significance. Last evaluated: 2024-11-06. Review status: criteria provided, single submitter. Criteria: Ambry Variant Classification Scheme 2023. Collection method: clinical testing. Allele origin: germline.
Comment: The p.I68V variant (also known as c.202A>G), located in coding exon 1 of the KCNE5 gene, results from an A to G substitution at nucleotide position 202. The isoleucine at codon 68 is replaced by valine, an amino acid with highly similar properties. This amino acid position is conserved. In addition, this alteration is predicted to be tolerated by in silico analysis. Based on the available evidence, the clinical significance of this variant remains unclear.